The following is an entry in ClinVar:

NM_006160.4(NEUROD2):c.652del (p.Glu218fs)

Gene: NEUROD2 (neuronal differentiation 2; minus strand). Cytogenetic location: 17q12.
Variant type: Deletion.
Coding change: c.652del on transcript NM_006160.4 (MANE Select); coding-DNA position 652, one base deleted (G; older notation c.652delG).
Protein change: p.Glu218fs; shifts the reading frame from glutamic acid 218.
Molecular consequence: frameshift variant.
Genome position (GRCh38, 1-based): chr17:39,605,948, C deleted on the plus strand (G on the coding strand, the reverse complement: NEUROD2 is on the minus strand); the first of 2 consecutive C bases (chr17:39,605,948-39,605,949); deleting either gives the same sequence. VCF-style (leftmost placement, unchanged base first): chr17-39605947-TC-T. GRCh37 (hg19) VCF-style: chr17-37762200-TC-T.
Other names: short protein forms E218fs.
Identifiers: ClinVar variation 4975362 (VCV004975362.1).

ClinVar aggregate classification (germline): Uncertain significance (1 of 4 stars; one submission).

Submission:

GeneDx
Classification: Uncertain significance. Last evaluated: 2026-01-22. Review status: criteria provided, single submitter. Criteria: GeneDx Variant Classification Process June 2021. Collection method: clinical testing. Allele origin: germline.
Comment: Not observed at significant frequency in large population cohorts (gnomAD); Frameshift variant predicted to result in abnormal protein length as the last 165 amino acids are replaced with 124 different amino acids; Has not been previously published as pathogenic or benign to our knowledge